The following is an entry in ClinVar:

ClinVar aggregate classification (germline): Uncertain significance (1 of 4 stars; one submission).

gnomAD v4.1: 1 of 1,614,046 alleles (0.000062%); highest among the groups gnomAD compares: Non-Finnish European, 0.000085%; no homozygotes.

Submission:

Labcorp Genetics (formerly Invitae), Labcorp
Classification: Uncertain significance. Last evaluated: 2025-05-14. Review status: criteria provided, single submitter. Criteria: Invitae Variant Classification Sherloc (09022015). Collection method: clinical testing. Allele origin: germline.
Comment: This sequence change replaces asparagine, which is neutral and polar, with serine, which is neutral and polar, at codon 492 of the HYOU1 protein (p.Asn492Ser). This variant is not present in population databases (gnomAD no frequency). This variant has not been reported in the literature in individuals affected with HYOU1-related conditions. An algorithm developed to predict the effect of missense changes on protein structure and function outputs the following: PolyPhen-2: "Benign". The serine amino acid residue is found in multiple mammalian species, which suggests that this missense change does not adversely affect protein function. In summary, the available evidence is currently insufficient to determine the role of this variant in disease. Therefore, it has been classified as a Variant of Uncertain Significance.

NM_006389.5(HYOU1):c.1475A>G (p.Asn492Ser)

Gene: HYOU1 (hypoxia up-regulated 1; minus strand). Cytogenetic location: 11q23.3.
Variant type: single nucleotide variant.
Coding change: c.1475A>G on transcript NM_006389.5 (MANE Select); coding-DNA position 1475, A replaced by G.
Protein change: p.Asn492Ser; replaces asparagine 492 with serine.
Molecular consequence: missense variant.
Genome position (GRCh38, 1-based): chr11:119,051,489, T>C on the plus strand (A>G on the coding strand, the complement: HYOU1 is on the minus strand). VCF-style: chr11-119051489-T-C. GRCh37 (hg19) VCF-style: chr11-118922201-T-C.
Other names: c.1475A>G, p.Asn492Ser (NM_001130991.3, NM_001411041.1); short protein forms N492S.
Identifiers: ClinVar variation 4807213 (VCV004807213.1).